The following is an entry in ClinVar:

ClinVar aggregate classification (germline): Likely pathogenic (1 of 4 stars; one submission).

Submission:

GeneDx
Classification: Likely pathogenic. Last evaluated: 2016-09-09. Review status: criteria provided, single submitter. Criteria: GeneDx Variant Classification (06012015). Collection method: clinical testing. Allele origin: germline. Affected: yes.
Comment: The L549P variant in the ERCC6 gene has not been reported previously as a pathogenic variant, nor as a benign variant, to our knowledge. This variant was not observed in approximately 6500 individuals of European and African American ancestry in the NHLBI Exome Sequencing Project, indicating it is not a common benign variant in these populations. The L549P variant is a semi-conservative amino acid substitution, which may impact secondary protein structure as these residues differ in some properties. This substitution occurs at a position that is conserved across species, and in silico analysis predicts this variant is probably damaging to the protein structure/function. The L549P variant is a strong candidate for a pathogenic variant, however the possibility it may be a rare benign variant cannot be excluded.

NM_000124.4(ERCC6):c.1646T>C (p.Leu549Pro)

Gene: ERCC6 (ERCC excision repair 6, chromatin remodeling factor; minus strand). Cytogenetic location: 10q11.23.
Variant type: single nucleotide variant.
Coding change: c.1646T>C on transcript NM_000124.4 (MANE Select); coding-DNA position 1646, T replaced by C.
Protein change: p.Leu549Pro; replaces leucine 549 with proline.
Molecular consequence: missense variant.
Genome position (GRCh38, 1-based): chr10:49,500,577, A>G on the plus strand (T>C on the coding strand, the complement: ERCC6 is on the minus strand). VCF-style: chr10-49500577-A-G. GRCh37 (hg19) VCF-style: chr10-50708623-A-G.
Other names: c.1646T>C, p.Leu549Pro (NM_001346440.2); short protein forms L549P.
Identifiers: ClinVar variation 422107 (VCV000422107.2), dbSNP rs1064795562, ClinGen allele CA16618958.